The following is an entry in ClinVar:

ClinVar aggregate classification (germline): Likely benign. Review status: criteria provided, multiple submitters, no conflicts (2 of 4 stars). 2 submissions from 2 submitters: Likely benign (2). Last evaluated 2025-11-17.

Conditions:
Bardet-Biedl syndrome (BBS). Identifiers: Orphanet 110, MedGen C0752166, MONDO:0015229.
BBS9-related disorder. Also called: BBS9-related condition.

gnomAD v4.1: 30 of 1,600,836 alleles (0.0019%); highest among the groups gnomAD compares: Non-Finnish European, 0.0026%; no homozygotes.

Submissions (2):

PreventionGenetics, part of Exact Sciences
Classification: Likely benign for BBS9-related condition. Last evaluated: 2025-11-17. Review status: criteria provided, single submitter. Criteria: ACMG Guidelines, 2015. Collection method: clinical testing. Allele origin: germline.
Comment: This variant is classified as likely benign based on ACMG/AMP sequence variant interpretation guidelines (Richards et al. 2015 PMID: 25741868, with internal and published modifications).

Labcorp Genetics (formerly Invitae), Labcorp
Classification: Likely benign for Bardet-Biedl syndrome. Last evaluated: 2025-03-03. Review status: criteria provided, single submitter. Criteria: Invitae Variant Classification Sherloc (09022015). Collection method: clinical testing. Allele origin: germline.

NM_198428.3(BBS9):c.1527C>T (p.Ser509=)

Gene: BBS9 (Bardet-Biedl syndrome 9; plus strand). Cytogenetic location: 7p14.3.
Variant type: single nucleotide variant.
Coding change: c.1527C>T on transcript NM_198428.3 (MANE Select); coding-DNA position 1527, C replaced by T.
Protein change: p.Ser509=; no amino-acid change (serine 509 retained).
Molecular consequence: synonymous variant. On other transcripts: non-coding transcript variant (3), intron variant (5).
Genome position (GRCh38, 1-based): chr7:33,351,313, C>T. VCF-style: chr7-33351313-C-T. GRCh37 (hg19) VCF-style: chr7-33390925-C-T.
Other names: c.1527C>T, p.Ser509= (NM_001033605.2, NM_001348036.1, NM_001348041.4 and 2 more transcripts); c.1161C>T, p.Ser387= (NM_001348037.3, NM_001348045.3, NM_001348046.3); c.1254C>T, p.Ser418= (NM_001348038.3); c.1392C>T, p.Ser464= (NM_001348042.3); c.1160-1546C>T (NM_001348039.3); c.1433-1546C>T (NM_001033604.2); c.1432+2143C>T (NM_014451.4, NM_001348040.3); c.1067-1546C>T (NM_001348044.3); and 1 more.
Identifiers: ClinVar variation 4745501 (VCV004745501.2).